The following is an entry in ClinVar:

NM_001034853.2(RPGR):c.3219C>T (p.Gly1073=)

Gene: RPGR (retinitis pigmentosa GTPase regulator; minus strand). Cytogenetic location: Xp11.4.
Variant type: single nucleotide variant.
Coding change: c.3219C>T on transcript NM_001034853.2 (MANE Select); coding-DNA position 3219, C replaced by T.
Protein change: p.Gly1073=; no amino-acid change (glycine 1073 retained).
Molecular consequence: synonymous variant. On other transcripts: intron variant (8).
Genome position (GRCh38, 1-based): chrX:38,285,780, G>A on the plus strand (C>T on the coding strand, the complement: RPGR is on the minus strand). VCF-style: chrX-38285780-G-A. GRCh37 (hg19) VCF-style: chrX-38145033-G-A.
Other names: NM_001034853.2(RPGR):c.3219C>T; p.Gly1073=; c.1569+5179C>T (NM_001367249.1, NM_001367250.1); c.1902+1314C>T (NM_001367245.1); c.1386+5179C>T (NM_001367251.1); c.1719+1314C>T (NM_001367246.1); c.1572+5179C>T (NM_001367247.1); c.1905+1314C>T (NM_000328.3); and 1 more.
Identifiers: ClinVar variation 403390 (VCV000403390.20), dbSNP rs111787313, ClinGen allele CA10385170.

ClinVar aggregate classification (germline): Benign. Review status: reviewed by expert panel (3 of 4 stars). 7 submissions from 7 submitters: Benign (1). 6 of the submissions do not count toward it. Last evaluated 2026-11-20.

Conditions:
RPGR-related retinopathy. Also called: RPGR retinopathy. Identifiers: MedGen CN305589, MONDO:0100437.
Retinal dystrophy. Also called: Inherited retinal dystrophy. Identifiers: Orphanet 71862, MedGen C0854723, MeSH D058499, MONDO:0019118, HP:0000556.
Primary ciliary dyskinesia. Also called: Ciliary dyskinesia. Identifiers: Orphanet 244, MedGen C0008780, MONDO:0016575, HP:0012265.

Allele frequency attached by ClinVar (database versions not stated): gnomAD 0.06277 and 0.06502; TOPMed 0.07284; ExAC 0.07599; gnomAD exomes 0.07995 and 0.03773; 1000 Genomes Project 0.11020; 1000 Genomes Project 30x 0.11134; ESP Exome Variant Server 0.05606.
gnomAD v4.1: 48,522 of 1,205,849 alleles (4%); highest among the groups gnomAD compares: Admixed American, 18%; 1,654 homozygotes.

Submissions (7):

ClinGen X-linked Inherited Retinal Disease Variant Curation Expert Panel, ClinGen
Classification: Benign for RPGR-related retinopathy. Last evaluated: 2026-11-20. Review status: reviewed by expert panel. Criteria: ClinGen X LinkedIRD ACMG Specifications RPGR V1.0.0. Collection method: curation. Allele origin: germline. Inheritance: X-linked inheritance.
Comment: The NM_001034853.2(RPGR):c.3219C>T variant is a synonymous variant at amino acid 1073. This variant is present in gnomAD v4.1.2 at a frequency of 0.04226 among hemizygous individuals, with 16653 variant alleles / 394085 total hemizygous alleles found in all subpopulations except Amish, which is higher than the ClinGen X-linked IRD VCEP BA1 threshold of >0.00005 (BA1). The splicing impact predictor SpliceAI gives a delta score of 0.00, which is below the ClinGen X-linked IRD VCEP recommended threshold of <0.1 and does not strongly predict an impact on splicing (BP4). This silent variant c. 3219C>T causes a synonymous variant at codon 1073 and does not have an impact on splicing sites according to SpliceAI, which predicts a delta score of 0 for all predictive splice changes, which is below the ClinGen X-linked IRD VCEP recommended threshold of <0.1 and does not strongly predict an impact on splicing (BP7). In summary, this variant is classified as Benign for RPGR-related retinopathy based on the ClinGen X-linked Inherited Retinal Disease Expert Panel Specifications to the ACMG/AMP Variant Interpretation Guidelines for RPGR, Version 1.0.0, using the following evidence codes: BA1, BP4, and BP7.

Labcorp Genetics (formerly Invitae), Labcorp
Classification: Benign for Primary ciliary dyskinesia. Last evaluated: 2026-02-04. Review status: criteria provided, single submitter. Criteria: Invitae Variant Classification Sherloc (09022015). Collection method: clinical testing. Allele origin: germline. Not counted in ClinVar's aggregate classification.

Dept Of Ophthalmology, Nagoya University
Classification: Benign for Retinal dystrophy. Last evaluated: 2023-10-01. Review status: criteria provided, single submitter. Criteria: Submitter's publication. Collection method: research. Allele origin: germline. Affected: yes. Not counted in ClinVar's aggregate classification.

GeneDx
Classification: Benign. Last evaluated: 2018-07-09. Review status: criteria provided, single submitter. Criteria: GeneDx Variant Classification Process June 2021. Collection method: clinical testing. Allele origin: germline. Affected: yes. Not counted in ClinVar's aggregate classification.

PreventionGenetics, part of Exact Sciences
Classification: Benign. Last evaluated: 2018-04-03. Review status: criteria provided, single submitter. Criteria: ACMG Guidelines, 2015. Collection method: clinical testing. Allele origin: germline. Not counted in ClinVar's aggregate classification.

Laboratory for Molecular Medicine, Mass General Brigham Personalized Medicine
Classification: Benign. Last evaluated: 2016-03-28. Review status: criteria provided, single submitter. Criteria: LMM Criteria. Collection method: clinical testing. Allele origin: germline. Not counted in ClinVar's aggregate classification.
Comment: Variant identified in a genome or exome case(s) and assessed due to predicted null impact of the variant or pathogenic assertions in the literature or databases. Disclaimer: This variant has not undergone full assessment. The following are preliminary notes: Frequency

Breakthrough Genomics
Classification: Benign. Review status: criteria provided, single submitter. Criteria: ACMG Guidelines, 2015. Collection method: not provided. Allele origin: germline. Inheritance: X-linked inheritance. Affected: yes. Not counted in ClinVar's aggregate classification.